The following is an entry in ClinVar:

ClinVar aggregate classification (germline): Uncertain significance (1 of 4 stars; one submission).

Conditions:
Autosomal dominant limb-girdle muscular dystrophy type 1F (LGMDD2). Also called: Limb-girdle muscular dystrophy, type 1F; MUSCULAR DYSTROPHY, LIMB-GIRDLE, AUTOSOMAL DOMINANT 2. Identifiers: Orphanet 55595, MedGen C1842062, MONDO:0012034, OMIM 608423.

Submission:

Labcorp Genetics (formerly Invitae), Labcorp
Classification: Uncertain significance for Autosomal dominant limb-girdle muscular dystrophy type 1F. Last evaluated: 2025-01-11. Review status: criteria provided, single submitter. Criteria: Invitae Variant Classification Sherloc (09022015). Collection method: clinical testing. Allele origin: germline.
Comment: This sequence change creates a premature translational stop signal (p.Tyr354*) in the TNPO3 gene. It is expected to result in an absent or disrupted protein product. However, the current clinical and genetic evidence is not sufficient to establish whether loss-of-function variants in TNPO3 cause disease. This variant is not present in population databases (gnomAD no frequency). This variant has not been reported in the literature in individuals affected with TNPO3-related conditions. In summary, the available evidence is currently insufficient to determine the role of this variant in disease. Therefore, it has been classified as a Variant of Uncertain Significance.

NM_012470.4(TNPO3):c.1062C>G (p.Tyr354Ter)

Gene: TNPO3 (transportin 3; minus strand). Cytogenetic location: 7q32.1.
Variant type: single nucleotide variant.
Coding change: c.1062C>G on transcript NM_012470.4 (MANE Select); coding-DNA position 1062, C replaced by G.
Protein change: p.Tyr354Ter; replaces tyrosine 354 with a stop codon.
Molecular consequence: nonsense. On other transcripts: non-coding transcript variant (17), intron variant (1).
Genome position (GRCh38, 1-based): chr7:128,997,485, G>C on the plus strand (C>G on the coding strand, the complement: TNPO3 is on the minus strand). VCF-style: chr7-128997485-G-C. GRCh37 (hg19) VCF-style: chr7-128637539-G-C.
Other names: c.1062C>G, p.Tyr354Ter (NM_001191028.3, NM_001382216.1, NM_001382218.1 and 3 more transcripts); c.1143C>G, p.Tyr381Ter (NM_001382217.1); c.918C>G, p.Tyr306Ter (NM_001382221.1); c.1011+2944C>G (NM_001382222.1); short protein forms Y381*, Y354*, Y306*.
Identifiers: ClinVar variation 3728780 (VCV003728780.2).